The following is an entry in ClinVar:

ClinVar aggregate classification (germline): Uncertain significance (1 of 4 stars; one submission).

Conditions:
PLXNA4-related disorder. Also called: PLXNA4-related condition.

gnomAD v4.1: 13 of 1,613,662 alleles (0.00081%); highest among the groups gnomAD compares: Non-Finnish European, 0.001%; no homozygotes.

Submission:

PreventionGenetics, part of Exact Sciences
Classification: Uncertain significance for PLXNA4-related condition. Last evaluated: 2026-07-21. Review status: criteria provided, single submitter. Criteria: ACMG Guidelines, 2015. Collection method: clinical testing. Allele origin: germline.
Comment: The PLXNA4 c.2738A>G variant is predicted to result in the amino acid substitution p.Gln913Arg. To our knowledge, this variant has not been reported in the literature. This variant is reported in 0.0065% of alleles in individuals of European (Non-Finnish) descent in gnomAD. At this time, the clinical significance of this variant is uncertain due to the absence of conclusive functional and genetic evidence.

NM_020911.2(PLXNA4):c.2738A>G (p.Gln913Arg)

Gene: PLXNA4 (plexin A4; minus strand). Cytogenetic location: 7q32.3.
Variant type: single nucleotide variant.
Coding change: c.2738A>G on transcript NM_020911.2 (MANE Select); coding-DNA position 2738, A replaced by G.
Protein change: p.Gln913Arg; replaces glutamine 913 with arginine.
Molecular consequence: missense variant.
Genome position (GRCh38, 1-based): chr7:132,198,485, T>C on the plus strand (A>G on the coding strand, the complement: PLXNA4 is on the minus strand). VCF-style: chr7-132198485-T-C. GRCh37 (hg19) VCF-style: chr7-131883244-T-C.
Other names: c.2738A>G, p.Gln913Arg (NM_001393897.1); short protein forms Q913R.
Identifiers: ClinVar variation 4992685 (VCV004992685.1).